The following is an entry in ClinVar:

ClinVar aggregate classification (germline): Uncertain significance (1 of 4 stars; one submission).

Conditions:
Brugada syndrome. Also called: Sudden unexplained nocturnal death syndrome; Sudden unexpected nocturnal death syndrome; Sudden Unexplained Death Syndrome; Sudden Unexplained Nocturnal Death Syndrome (SUNDS). Identifiers: Orphanet 130, MedGen C1142166, MONDO:0015263.

Allele frequency attached by ClinVar (database versions not stated): TOPMed below 0.00001.

Submission:

Labcorp Genetics (formerly Invitae), Labcorp
Classification: Uncertain significance for Brugada syndrome. Last evaluated: 2022-05-05. Review status: criteria provided, single submitter. Criteria: Invitae Variant Classification Sherloc (09022015). Collection method: clinical testing. Allele origin: germline.
Comment: This variant has not been reported in the literature in individuals affected with SCN10A-related conditions. This sequence change replaces lysine, which is basic and polar, with glutamic acid, which is acidic and polar, at codon 245 of the SCN10A protein (p.Lys245Glu). This variant is not present in population databases (gnomAD no frequency). Advanced modeling of protein sequence and biophysical properties (such as structural, functional, and spatial information, amino acid conservation, physicochemical variation, residue mobility, and thermodynamic stability) performed at Invitae indicates that this missense variant is expected to disrupt SCN10A protein function. In summary, the available evidence is currently insufficient to determine the role of this variant in disease. Therefore, it has been classified as a Variant of Uncertain Significance.

NM_006514.4(SCN10A):c.733A>G (p.Lys245Glu)

Gene: SCN10A (sodium voltage-gated channel alpha subunit 10; minus strand). Cytogenetic location: 3p22.2.
Variant type: single nucleotide variant.
Coding change: c.733A>G on transcript NM_006514.4 (MANE Select); coding-DNA position 733, A replaced by G.
Protein change: p.Lys245Glu; replaces lysine 245 with glutamic acid.
Molecular consequence: missense variant.
Genome position (GRCh38, 1-based): chr3:38,761,342, T>C on the plus strand (A>G on the coding strand, the complement: SCN10A is on the minus strand). VCF-style: chr3-38761342-T-C. GRCh37 (hg19) VCF-style: chr3-38802833-T-C.
Other names: c.733A>G, p.Lys245Glu (NM_001293306.2, NM_001293307.2); short protein forms K245E.
Identifiers: ClinVar variation 1359880 (VCV001359880.8), dbSNP rs780602857, ClinGen allele CA352171787.